The following is an entry in ClinVar:

NM_004656.4(BAP1):c.1913G>A (p.Cys638Tyr)

Gene: BAP1 (BRCA1 associated deubiquitinase 1; minus strand). Cytogenetic location: 3p21.1.
Variant type: single nucleotide variant.
Coding change: c.1913G>A on transcript NM_004656.4 (MANE Select); coding-DNA position 1913, G replaced by A.
Protein change: p.Cys638Tyr; replaces cysteine 638 with tyrosine.
Molecular consequence: missense variant.
Genome position (GRCh38, 1-based): chr3:52,402,849, C>T on the plus strand (G>A on the coding strand, the complement: BAP1 is on the minus strand). VCF-style: chr3-52402849-C-T. GRCh37 (hg19) VCF-style: chr3-52436865-C-T.
Other names: c.1859G>A, p.Cys620Tyr (NM_001410772.1); short protein forms C620Y, C638Y.
Identifiers: ClinVar variation 1713438 (VCV001713438.8), dbSNP rs1370183756, ClinGen allele CA353096833.
Genomic context (GRCh38, chr3:52,402,849, plus strand): 5'-TTCCTCTTCTCTACCTCCTCCTTGAGGCACGCCTCATAGTTTGCAATCTCAGCCTCCACA[C>T]ACTTCAGCAGTGCCAGCAGCTCCTGCCAAAACCCAGCATTGCACCTCTGATCGGGGCGGG-3'
Protein context (NP_004647.1, residues 628-648): SPKELLALLK[Cys638Tyr]VEAEIANYEA

ClinVar aggregate classification (germline): Uncertain significance. Review status: criteria provided, multiple submitters, no conflicts (2 of 4 stars). 2 submissions from 2 submitters: Uncertain significance (2). Last evaluated 2024-02-15.

Conditions:
Hereditary cancer-predisposing syndrome. Also called: Neoplastic Syndromes, Hereditary; Tumor predisposition; Hereditary Cancer Syndrome; Hereditary neoplastic syndrome. Identifiers: Orphanet 140162, MedGen C0027672, MeSH D009386, MONDO:0015356.
BAP1-related tumor predisposition syndrome (TPDS1). Also called: Tumor susceptibility linked to germline BAP1 mutations; TUMOR PREDISPOSITION SYNDROME 1; COMMON Syndrome; BAP1 tumor predisposition syndrome. Identifiers: Orphanet 289539, MedGen C3280492, MONDO:0013692, OMIM 614327.

Allele frequency attached by ClinVar (database versions not stated): gnomAD exomes below 0.00001.

Submissions (2):

Labcorp Genetics (formerly Invitae), Labcorp
Classification: Uncertain significance for BAP1-related tumor predisposition syndrome. Last evaluated: 2024-02-15. Review status: criteria provided, single submitter. Criteria: Invitae Variant Classification Sherloc (09022015). Collection method: clinical testing. Allele origin: germline.
Comment: This sequence change replaces cysteine, which is neutral and slightly polar, with tyrosine, which is neutral and polar, at codon 638 of the BAP1 protein (p.Cys638Tyr). This variant is present in population databases (no rsID available, gnomAD 0.0009%). This variant has not been reported in the literature in individuals affected with BAP1-related conditions. ClinVar contains an entry for this variant (Variation ID: 1713438). Advanced modeling of protein sequence and biophysical properties (such as structural, functional, and spatial information, amino acid conservation, physicochemical variation, residue mobility, and thermodynamic stability) performed at Invitae indicates that this missense variant is not expected to disrupt BAP1 protein function with a negative predictive value of 80%. In summary, the available evidence is currently insufficient to determine the role of this variant in disease. Therefore, it has been classified as a Variant of Uncertain Significance.

Ambry Genetics
Classification: Uncertain significance for Hereditary cancer-predisposing syndrome. Last evaluated: 2021-03-25. Review status: criteria provided, single submitter. Criteria: Ambry Variant Classification Scheme 2023. Collection method: clinical testing. Allele origin: germline.
Comment: The p.C638Y variant (also known as c.1913G>A), located in coding exon 15 of the BAP1 gene, results from a G to A substitution at nucleotide position 1913. The cysteine at codon 638 is replaced by tyrosine, an amino acid with highly dissimilar properties. This amino acid position is highly conserved in available vertebrate species. In addition, the in silico prediction for this alteration is inconclusive. Since supporting evidence is limited at this time, the clinical significance of this alteration remains unclear.